The following is an entry in ClinVar:

NM_001999.4(FBN2):c.3598+6T>G

Gene: FBN2 (fibrillin 2; minus strand). Cytogenetic location: 5q23.3.
Variant type: single nucleotide variant.
Coding change: c.3598+6T>G on transcript NM_001999.4 (MANE Select); 6 bases into the intron after coding-DNA position 3598, T replaced by G.
Molecular consequence: intron variant.
Genome position (GRCh38, 1-based): chr5:128,337,991, A>C on the plus strand (T>G on the coding strand, the complement: FBN2 is on the minus strand). VCF-style: chr5-128337991-A-C. GRCh37 (hg19) VCF-style: chr5-127673683-A-C.
Identifiers: ClinVar variation 2835587 (VCV002835587.3), dbSNP rs2479809369, ClinGen allele CA2739275020.

ClinVar aggregate classification (germline): Pathogenic (1 of 4 stars; one submission).

Conditions:
Congenital contractural arachnodactyly (CCA). Also called: BEALS SYNDROME; Beals-Hecht syndrome; Arthrogryposis, distal, type 9. Identifiers: Orphanet 115, MedGen C0220668, MONDO:0007363, OMIM 121050.

Submission:

Labcorp Genetics (formerly Invitae), Labcorp
Classification: Pathogenic for Congenital contractural arachnodactyly. Last evaluated: 2023-04-13. Review status: criteria provided, single submitter. Criteria: Invitae Variant Classification Sherloc (09022015). Collection method: clinical testing. Allele origin: germline.
Comment: For these reasons, this variant has been classified as Pathogenic. Variants that disrupt the consensus splice site are a relatively common cause of aberrant splicing (PMID: 17576681, 9536098). Algorithms developed to predict the effect of sequence changes on RNA splicing suggest that this variant may disrupt the consensus splice site. This variant has been observed in individual(s) with clinical features of congenital contractural arachnodactyly (Invitae). In at least one individual the variant was observed to be de novo. This variant is not present in population databases (gnomAD no frequency). This sequence change falls in intron 27 of the FBN2 gene. It does not directly change the encoded amino acid sequence of the FBN2 protein. It affects a nucleotide within the consensus splice site.

Literature cited by the submitters: PubMed 17576681; PubMed 9536098.